The following is an entry in ClinVar:

NM_001077365.2(POMT1):c.1176-16G>A

Gene: POMT1 (protein O-mannosyltransferase 1; plus strand). Cytogenetic location: 9q34.13.
Variant type: single nucleotide variant.
Coding change: c.1176-16G>A on transcript NM_001077365.2 (MANE Select); 16 bases into the intron before coding-DNA position 1176, G replaced by A.
Molecular consequence: intron variant.
Genome position (GRCh38, 1-based): chr9:131,515,410, G>A. VCF-style: chr9-131515410-G-A. GRCh37 (hg19) VCF-style: chr9-134390797-G-A.
Other names: c.1080-16G>A (NM_001353198.2, NM_001353197.2); c.1242-16G>A (NM_001353193.2, NM_007171.4); c.1176-16G>A (NM_001136113.2, NM_001374690.1); c.1014-16G>A (NM_001353194.2, NM_001077366.2); c.825-16G>A (NM_001374691.1, NM_001353195.2, NM_001374692.1 and 2 more transcripts); c.1086-16G>A (NM_001353196.2); c.786-16G>A (NM_001374695.1); c.1164-16G>A (NM_001374689.1); and 2 more.
Identifiers: ClinVar variation 389220 (VCV000389220.9), dbSNP rs199684856, ClinGen allele CA5293572.

ClinVar aggregate classification (germline): Likely benign. Review status: criteria provided, multiple submitters, no conflicts (2 of 4 stars). 2 submissions from 2 submitters: Likely benign (2). Last evaluated 2026-01-19.

Conditions:
Autosomal recessive limb-girdle muscular dystrophy type 2K. Also called: MUSCULAR DYSTROPHY, LIMB-GIRDLE, TYPE 2K; MUSCULAR DYSTROPHY-DYSTROGLYCANOPATHY (LIMB-GIRDLE), TYPE C, 1. Identifiers: Orphanet 86812, MedGen C1836373, MONDO:0012248, OMIM 609308.
Walker-Warburg congenital muscular dystrophy. Also called: Muscular dystrophy-dystroglycanopathy, type A; Walker-Warburg syndrome. Identifiers: Orphanet 899, MedGen C0265221, MONDO:0000171.
Muscular dystrophy-dystroglycanopathy (congenital with impaired intellectual development), type B, 1. Also called: Muscular dystrophy-dystroglycanopathy (congenital with intellectual disability), type B1; MUSCULAR DYSTROPHY, CONGENITAL, POMT1-RELATED. Identifiers: MedGen C5436962, MONDO:0013159, OMIM 613155.

Allele frequency attached by ClinVar (database versions not stated): TOPMed 0.00009; 1000 Genomes Project 30x 0.00016.
gnomAD v4.1: 347 of 1,612,880 alleles (0.022%); highest among the groups gnomAD compares: Non-Finnish European, 0.027%; no homozygotes.

Submissions (2):

Labcorp Genetics (formerly Invitae), Labcorp
Classification: Likely benign for Muscular dystrophy-dystroglycanopathy (congenital with impaired intellectual development), type B, 1; Walker-Warburg congenital muscular dystrophy; Autosomal recessive limb-girdle muscular dystrophy type 2K. Last evaluated: 2026-01-19. Review status: criteria provided, single submitter. Criteria: Invitae Variant Classification Sherloc (09022015). Collection method: clinical testing. Allele origin: germline.

GeneDx
Classification: Likely benign. Last evaluated: 2016-09-23. Review status: criteria provided, single submitter. Criteria: GeneDx Variant Classification (06012015). Collection method: clinical testing. Allele origin: germline. Affected: yes.
Comment: This variant is considered likely benign or benign based on one or more of the following criteria: it is a conservative change, it occurs at a poorly conserved position in the protein, it is predicted to be benign by multiple in silico algorithms, and/or has population frequency not consistent with disease.